The following is an entry in ClinVar:

ClinVar aggregate classification (germline): Uncertain significance. Review status: criteria provided, single submitter (1 of 4 stars). 2 submissions from 2 submitters: Uncertain significance (1). 1 of the submissions does not count toward it. Last evaluated 2024-10-21.

Conditions:
Anauxetic dysplasia. Identifiers: Orphanet 93347, MedGen C1846796, MONDO:0011773.
Metaphyseal chondrodysplasia, McKusick type (CHH). Also called: Cartilage-hair hypoplasia; Cartilage-Hair Hypoplasia (CHH). Identifiers: Orphanet 175, MedGen C0220748, MONDO:0009595, OMIM 250250.

Allele frequency attached by ClinVar (database versions not stated): TOPMed 0.00002.
gnomAD v4.1: 4 of 700,346 alleles (0.00057%); highest among the groups gnomAD compares: African/African-American, 0.007%; no homozygotes.

Submissions (2):

Labcorp Genetics (formerly Invitae), Labcorp
Classification: Uncertain significance for Anauxetic dysplasia. Last evaluated: 2024-10-21. Review status: criteria provided, single submitter. Criteria: Invitae Variant Classification Sherloc (09022015). Collection method: clinical testing. Allele origin: germline.
Comment: This variant occurs in the RMRP gene, which encodes an RNA molecule that does not result in a protein product. This variant is not present in population databases (gnomAD no frequency). This variant has been observed in individual(s) with metaphyseal dysplasia and/or RMRP-related conditions (internal data). In at least one individual the data is consistent with being in trans (on the opposite chromosome) from a pathogenic variant. ClinVar contains an entry for this variant (Variation ID: 968159). Experimental studies and prediction algorithms are not available or were not evaluated, and the functional significance of this variant is currently unknown. In summary, the available evidence is currently insufficient to determine the role of this variant in disease. Therefore, it has been classified as a Variant of Uncertain Significance.

Natera, Inc.
Classification: Uncertain significance for Cartilage-hair hypoplasia. Last evaluated: 2020-02-26. Review status: no assertion criteria provided. Collection method: clinical testing. Allele origin: germline. Not counted in ClinVar's aggregate classification.

NR_003051.4(RMRP):n.84C>G

Gene: RMRP (RNA component of mitochondrial RNA processing endoribonuclease; minus strand). Cytogenetic location: 9p13.3.
Variant type: single nucleotide variant.
Genome position: GRCh38 VCF-style: chr9-35657936-G-C. GRCh37 (hg19) VCF-style: chr9-35657933-G-C.
Identifiers: ClinVar variation 968159 (VCV000968159.7), dbSNP rs1372572486, ClinGen allele CA464450839.